The following is an entry in ClinVar:

NM_001130438.3(SPTAN1):c.593T>A (p.Met198Lys)

Gene: SPTAN1 (spectrin alpha, non-erythrocytic 1; plus strand). Cytogenetic location: 9q34.11.
Variant type: single nucleotide variant.
Coding change: c.593T>A on transcript NM_001130438.3 (MANE Select); coding-DNA position 593, T replaced by A.
Protein change: p.Met198Lys; replaces methionine 198 with lysine.
Molecular consequence: missense variant.
Genome position (GRCh38, 1-based): chr9:128,575,287, T>A. VCF-style: chr9-128575287-T-A. GRCh37 (hg19) VCF-style: chr9-131337566-T-A.
Other names: c.593T>A, p.Met198Lys (NM_003127.4, NM_001195532.2, NM_001363759.2 and 5 more transcripts); c.629T>A, p.Met210Lys (NM_001375312.2, NM_001375318.1); short protein forms M198K, M210K.
Identifiers: ClinVar variation 955375 (VCV000955375.10), dbSNP rs924110992, ClinGen allele CA375053280.
Genomic context (GRCh38, chr9:128,575,287, plus strand): 5'-GCCAGGATCTGGAGCATGTAGAGGTTTTACAGAAGAAATTTGAAGAGTTTCAAACAGATA[T>A]GGCTGCTCATGAAGAAAGAGTTAATGAAGTGAACCAGTTTGCTGCCAAACTCATACAGGT-3'
Protein context (NP_001123910.1, residues 188-208): QKKFEEFQTD[Met198Lys]AAHEERVNEV

ClinVar aggregate classification (germline): Uncertain significance (1 of 4 stars; one submission).

Conditions:
Early-infantile DEE. Also called: Early infantile epileptic encephalopathy; Ohtahara syndrome; Early infantile epileptic encephalopathy with suppression bursts. Identifiers: Orphanet 1934, MedGen C0393706, MONDO:0800491.

Allele frequency attached by ClinVar (database versions not stated): gnomAD exomes below 0.00001.

Submission:

Labcorp Genetics (formerly Invitae), Labcorp
Classification: Uncertain significance for Early-infantile DEE. Last evaluated: 2021-08-22. Review status: criteria provided, single submitter. Criteria: Invitae Variant Classification Sherloc (09022015). Collection method: clinical testing. Allele origin: germline.
Comment: This sequence change replaces methionine with lysine at codon 198 of the SPTAN1 protein (p.Met198Lys). The methionine residue is moderately conserved and there is a moderate physicochemical difference between methionine and lysine. This variant is not present in population databases (ExAC no frequency). This variant has not been reported in the literature in individuals with SPTAN1-related conditions. Algorithms developed to predict the effect of missense changes on protein structure and function are either unavailable or do not agree on the potential impact of this missense change (SIFT: "Deleterious"; PolyPhen-2: "Benign"; Align-GVGD: "Class C55"). In summary, the available evidence is currently insufficient to determine the role of this variant in disease. Therefore, it has been classified as a Variant of Uncertain Significance.